The following is an entry in ClinVar:

NM_080680.3(COL11A2):c.1879C>T (p.Arg627Ter)

Gene: COL11A2 (collagen type XI alpha 2 chain; minus strand). Cytogenetic location: 6p21.32.
Variant type: single nucleotide variant.
Coding change: c.1879C>T on transcript NM_080680.3 (MANE Select); coding-DNA position 1879, C replaced by T.
Protein change: p.Arg627Ter; replaces arginine 627 with a stop codon.
Molecular consequence: nonsense.
Genome position (GRCh38, 1-based): chr6:33,177,700, G>A on the plus strand (C>T on the coding strand, the complement: COL11A2 is on the minus strand). VCF-style: chr6-33177700-G-A. GRCh37 (hg19) VCF-style: chr6-33145477-G-A.
Other names: c.1558C>T, p.Arg520Ter (NM_080679.3); c.1621C>T, p.Arg541Ter (NM_080681.3); c.1879C>T (NM_080680.2); short protein forms R627*, R520*, R541*.
Identifiers: ClinVar variation 425376 (VCV000425376.50), dbSNP rs374156844, ClinGen allele CA3751142.

ClinVar aggregate classification (germline): Pathogenic/Likely pathogenic. Review status: criteria provided, multiple submitters, no conflicts (2 of 4 stars). 4 submissions from 4 submitters: Pathogenic (3); Likely pathogenic (1). Last evaluated 2026-01-01.

Conditions:
COL11A2-related disorder. Also called: COL11A2-related disorders; COL11A2-related condition.

Allele frequency attached by ClinVar (database versions not stated): gnomAD exomes below 0.00001; TOPMed below 0.00001; ExAC 0.00001; gnomAD 0.00001; ESP Exome Variant Server 0.00012; 1000 Genomes Project 0.00020; 1000 Genomes Project 30x 0.00031.
gnomAD v4.1: 2 of 1,612,894 alleles (0.00012%); highest among the groups gnomAD compares: African/African-American, 0.0013%; no homozygotes.

Submissions (4):

CeGaT Center for Human Genetics Tuebingen
Classification: Pathogenic. Last evaluated: 2026-01-01. Review status: criteria provided, single submitter. Criteria: CeGaT Center For Human Genetics Tuebingen Variant Classification Criteria Version 2. Collection method: clinical testing. Allele origin: germline. Affected: yes. Observed: 1 variant allele.
Comment: COL11A2: PVS1, PM2, PM3

GeneDx
Classification: Pathogenic. Last evaluated: 2024-04-20. Review status: criteria provided, single submitter. Criteria: GeneDx Variant Classification Process June 2021. Collection method: clinical testing. Allele origin: germline. Affected: yes.
Comment: Not observed at significant frequency in large population cohorts (gnomAD); Nonsense variant predicted to result in protein truncation or nonsense mediated decay in a gene for which loss of function is a known mechanism of disease; This variant is associated with the following publications: (PMID: 33597575)

Labcorp Genetics (formerly Invitae), Labcorp
Classification: Pathogenic. Last evaluated: 2022-02-04. Review status: criteria provided, single submitter. Criteria: Invitae Variant Classification Sherloc (09022015). Collection method: clinical testing. Allele origin: germline.
Comment: For these reasons, this variant has been classified as Pathogenic. ClinVar contains an entry for this variant (Variation ID: 425376). This premature translational stop signal has been observed in individual(s) with autosomal recessive deafness (PMID: 33597575). This variant is present in population databases (rs374156844, gnomAD 0.007%). This sequence change creates a premature translational stop signal (p.Arg627*) in the COL11A2 gene. It is expected to result in an absent or disrupted protein product. Loss-of-function variants in COL11A2 are known to be pathogenic (PMID: 10677296, 21204229).

Blueprint Genetics
Classification: Likely pathogenic for COL11A2-related disorders. Last evaluated: 2019-12-17. Review status: criteria provided, single submitter. Criteria: ACMG Guidelines, 2015. Collection method: clinical testing. Allele origin: germline. Affected: yes. Observed: 2 variant alleles.

Literature cited by the submitters: PubMed 33597575 (cited by Labcorp Genetics (formerly Invitae), Labcorp); PubMed 10677296 (cited by Labcorp Genetics (formerly Invitae), Labcorp); PubMed 21204229 (cited by Labcorp Genetics (formerly Invitae), Labcorp).